The following is an entry in ClinVar:

NM_001378454.1(ALMS1):c.1588A>G (p.Thr530Ala)

Gene: ALMS1 (ALMS1 centrosome and basal body associated protein; plus strand). Cytogenetic location: 2p13.1.
Variant type: single nucleotide variant.
Coding change: c.1588A>G on transcript NM_001378454.1 (MANE Select); coding-DNA position 1588, A replaced by G.
Protein change: p.Thr530Ala; replaces threonine 530 with alanine.
Molecular consequence: missense variant.
Genome position (GRCh38, 1-based): chr2:73,448,115, A>G. VCF-style: chr2-73448115-A-G. GRCh37 (hg19) VCF-style: chr2-73675242-A-G.
Other names: c.1591A>G, p.Thr531Ala (NM_015120.4); short protein forms T530A, T531A.
Identifiers: ClinVar variation 1498665 (VCV001498665.3), dbSNP rs778268073, ClinGen allele CA1713195.

ClinVar aggregate classification (germline): Uncertain significance (1 of 4 stars; one submission).

Conditions:
Alstrom syndrome (ALMS). Identifiers: Orphanet 64, MedGen C0268425, MONDO:0008763, OMIM 203800.

Allele frequency attached by ClinVar (database versions not stated): ExAC 0.00001; gnomAD 0.00001; gnomAD exomes 0.00001 and 0.00003.
gnomAD v4.1: 41 of 1,613,746 alleles (0.0025%); highest among the groups gnomAD compares: Non-Finnish European, 0.0034%; no homozygotes.

Submission:

Labcorp Genetics (formerly Invitae), Labcorp
Classification: Uncertain significance for Alstrom syndrome. Last evaluated: 2020-11-11. Review status: criteria provided, single submitter. Criteria: Invitae Variant Classification Sherloc (09022015). Collection method: clinical testing. Allele origin: germline.
Comment: This sequence change replaces threonine with alanine at codon 531 of the ALMS1 protein (p.Thr531Ala). The threonine residue is weakly conserved and there is a small physicochemical difference between threonine and alanine. This variant is present in population databases (rs778268073, ExAC 0.001%). This variant has not been reported in the literature in individuals with ALMS1-related conditions. Experimental studies and prediction algorithms are not available or were not evaluated, and the functional significance of this variant is currently unknown. In summary, the available evidence is currently insufficient to determine the role of this variant in disease. Therefore, it has been classified as a Variant of Uncertain Significance.